The following is an entry in ClinVar:

ClinVar aggregate classification (germline): Uncertain significance. Review status: criteria provided, multiple submitters, no conflicts (2 of 4 stars). 2 submissions from 2 submitters: Uncertain significance (2). Last evaluated 2022-07-14.

Allele frequency attached by ClinVar (database versions not stated): ExAC 0.00003.
gnomAD v4.1: 14 of 1,613,670 alleles (0.00087%); highest among the groups gnomAD compares: Admixed American, 0.023%; no homozygotes.

Submissions (2):

Labcorp Genetics (formerly Invitae), Labcorp
Classification: Uncertain significance. Last evaluated: 2022-07-14. Review status: criteria provided, single submitter. Criteria: Invitae Variant Classification Sherloc (09022015). Collection method: clinical testing. Allele origin: germline.
Comment: This sequence change replaces isoleucine, which is neutral and non-polar, with phenylalanine, which is neutral and non-polar, at codon 246 of the USH2A protein (p.Ile246Phe). This variant is present in population databases (rs746975879, gnomAD 0.03%). This variant has not been reported in the literature in individuals affected with USH2A-related conditions. Algorithms developed to predict the effect of missense changes on protein structure and function are either unavailable or do not agree on the potential impact of this missense change (SIFT: "Deleterious"; PolyPhen-2: "Possibly Damaging"; Align-GVGD: "Class C0"). In summary, the available evidence is currently insufficient to determine the role of this variant in disease. Therefore, it has been classified as a Variant of Uncertain Significance.

Blueprint Genetics
Classification: Uncertain significance. Last evaluated: 2020-10-08. Review status: criteria provided, single submitter. Criteria: ACMG Guidelines, 2015. Collection method: clinical testing. Allele origin: germline.

NM_206933.4(USH2A):c.736A>T (p.Ile246Phe)

Gene: USH2A (usherin; minus strand). Cytogenetic location: 1q41.
Variant type: single nucleotide variant.
Coding change: c.736A>T on transcript NM_206933.4 (MANE Select); coding-DNA position 736, A replaced by T.
Protein change: p.Ile246Phe; replaces isoleucine 246 with phenylalanine.
Molecular consequence: missense variant.
Genome position (GRCh38, 1-based): chr1:216,365,001, T>A on the plus strand (A>T on the coding strand, the complement: USH2A is on the minus strand). VCF-style: chr1-216365001-T-A. GRCh37 (hg19) VCF-style: chr1-216538343-T-A.
Other names: c.736A>T, p.Ile246Phe (NM_007123.6); short protein forms I246F.
Identifiers: ClinVar variation 2156637 (VCV002156637.2), dbSNP rs746975879, ClinGen allele CA1396709.